The following is an entry in ClinVar:

ClinVar aggregate classification (germline): Uncertain significance. Review status: criteria provided, multiple submitters, no conflicts (2 of 4 stars). 2 submissions from 2 submitters: Uncertain significance (2). Last evaluated 2026-03-23.

Allele frequency attached by ClinVar (database versions not stated): gnomAD 0.00002 and 0.00001; gnomAD exomes 0.00005 and 0.00006; TOPMed 0.00001; ExAC 0.00029.

Submissions (2):

Ambry Genetics
Classification: Uncertain significance. Last evaluated: 2026-03-23. Review status: criteria provided, single submitter. Criteria: Ambry Variant Classification Scheme 2023. Collection method: clinical testing. Allele origin: germline.

Labcorp Genetics (formerly Invitae), Labcorp
Classification: Uncertain significance. Last evaluated: 2022-07-06. Review status: criteria provided, single submitter. Criteria: Invitae Variant Classification Sherloc (09022015). Collection method: clinical testing. Allele origin: germline.
Comment: This sequence change replaces arginine, which is basic and polar, with tryptophan, which is neutral and slightly polar, at codon 449 of the LIG1 protein (p.Arg449Trp). The frequency data for this variant in the population databases is considered unreliable, as metrics indicate poor data quality at this position in the gnomAD database. This variant has not been reported in the literature in individuals affected with LIG1-related conditions. ClinVar contains an entry for this variant (Variation ID: 1417530). Algorithms developed to predict the effect of missense changes on protein structure and function (SIFT, PolyPhen-2, Align-GVGD) all suggest that this variant is likely to be disruptive. In summary, the available evidence is currently insufficient to determine the role of this variant in disease. Therefore, it has been classified as a Variant of Uncertain Significance.

NM_000234.3(LIG1):c.1345C>T (p.Arg449Trp)

Gene: LIG1 (DNA ligase 1; minus strand). Cytogenetic location: 19q13.33.
Variant type: single nucleotide variant.
Coding change: c.1345C>T on transcript NM_000234.3 (MANE Select); coding-DNA position 1345, C replaced by T.
Protein change: p.Arg449Trp; replaces arginine 449 with tryptophan.
Molecular consequence: missense variant. On other transcripts: non-coding transcript variant (6).
Genome position (GRCh38, 1-based): chr19:48,136,112, G>A on the plus strand (C>T on the coding strand, the complement: LIG1 is on the minus strand). VCF-style: chr19-48136112-G-A. GRCh37 (hg19) VCF-style: chr19-48639369-G-A.
Other names: c.1345C>T (NM_000234.1); c.1252C>T, p.Arg418Trp (NM_001289063.2); c.1141C>T, p.Arg381Trp (NM_001289064.2); c.1342C>T, p.Arg448Trp (NM_001320970.2); c.1255C>T, p.Arg419Trp (NM_001320971.2); short protein forms R448W, R449W, R381W, R418W, R419W.
Identifiers: ClinVar variation 1417530 (VCV001417530.6), dbSNP rs776117371, ClinGen allele CA9546842.